The following continues an entry in ClinVar:

NM_000059.4(BRCA2):c.7673_7674del (p.Glu2558fs)

Gene: BRCA2. ClinVar aggregate classification (germline): Pathogenic. Pathogenic (1).

Submissions 10 to 16 of 16:

Women's Health and Genetics/Laboratory Corporation of America, LabCorp
Classification: Pathogenic for Hereditary breast and ovarian cancer syndrome. Last evaluated: 2019-06-10. Review status: criteria provided, single submitter. Criteria: LabCorp Variant Classification Summary - May 2015. Collection method: clinical testing. Allele origin: germline. Not counted in ClinVar's aggregate classification.
Comment: Variant summary: BRCA2 c.7673_7674delAG (p.Glu2558ValfsX7) results in a premature termination codon, predicted to cause a truncation of the encoded protein or absence of the protein due to nonsense mediated decay, which are commonly known mechanisms for disease. Truncations downstream of this position have been classified as pathogenic by our laboratory. The variant was absent in 251218 control chromosomes (gnomAD). c.7673_7674delAG has been reported in the literature in individuals/families affected with Hereditary Breast and Ovarian Cancer (Lubinski_2004, Ricci_2014, van der Hout_2006, Heramb_2018). These data indicate that the variant is likely to be associated with disease. To our knowledge, no experimental evidence demonstrating an impact on protein function has been reported. Nine other submitters, including one expert panel (ENIGMA) have provided clinical-significance assessments for this variant in ClinVar after 2014, and all of them classified the variant as pathogenic. Based on the evidence outlined above, the variant was classified as pathogenic.

Quest Diagnostics Nichols Institute San Juan Capistrano
Classification: Pathogenic. Last evaluated: 2018-03-13. Review status: criteria provided, single submitter. Criteria: Quest Diagnostics criteria. Collection method: clinical testing. Allele origin: germline. Not counted in ClinVar's aggregate classification.

Baylor Genetics
Classification: Pathogenic for Familial cancer of breast. Last evaluated: 2017-02-23. Review status: criteria provided, single submitter. Criteria: ACMG Guidelines, 2015. Collection method: clinical testing. Allele origin: germline. Inheritance: Autosomal dominant inheritance. Affected: yes. Observed: 1 variant allele. Not counted in ClinVar's aggregate classification.

Consortium of Investigators of Modifiers of BRCA1/2 (CIMBA), c/o University of Cambridge
Classification: Pathogenic for Breast-ovarian cancer, familial, susceptibility to, 2. Last evaluated: 2015-10-02. Review status: criteria provided, single submitter. Criteria: CIMBA Mutation Classification guidelines May 2016. Collection method: clinical testing. Allele origin: germline. Not counted in ClinVar's aggregate classification.

Department of Medical Genetics, Oslo University Hospital
Classification: Pathogenic for Breast-ovarian cancer, familial, susceptibility to, 2. Last evaluated: 2015-07-01. Review status: criteria provided, single submitter. Criteria: ACMG Guidelines, 2015. Collection method: clinical testing. Allele origin: germline. Affected: yes. Observed: 3 variant alleles. Not counted in ClinVar's aggregate classification.

Research Molecular Genetics Laboratory, Women's College Hospital, University of Toronto
Classification: Pathogenic for Hereditary breast ovarian cancer syndrome. Last evaluated: 2014-01-31. Review status: no assertion criteria provided. Collection method: research. Allele origin: germline. Affected: yes. Study: The Canadian Open Genetics Repository (COGR). Not counted in ClinVar's aggregate classification.

Breast Cancer Information Core (BIC) (BRCA2)
Classification: Pathogenic for Breast-ovarian cancer, familial 2. Last evaluated: 2002-05-29. Review status: no assertion criteria provided. Collection method: clinical testing. Allele origin: germline. Affected: yes. Observed: 4 variant alleles. Not counted in ClinVar's aggregate classification.

Literature cited by the submitters: PubMed 20104584 (cited by Labcorp Genetics (formerly Invitae), Labcorp); PubMed 15131399 (cited by 4 submitters); PubMed 16683254 (cited by 4 submitters); PubMed 26187060 (cited by 3 submitters); PubMed 27083178 (cited by 3 submitters); PubMed 28993434 (cited by Labcorp Genetics (formerly Invitae), Labcorp); PubMed 29339979 (cited by 4 submitters); PubMed 31209999 (cited by Labcorp Genetics (formerly Invitae), Labcorp); PubMed 8988179 (cited by All of Us Research Program, National Institutes of Health); PubMed 11897832 (cited by All of Us Research Program, National Institutes of Health); PubMed 29446198 (cited by All of Us Research Program, National Institutes of Health); PubMed 30287823 (cited by All of Us Research Program, National Institutes of Health and Department of Pathology and Laboratory Medicine, Sinai Health System); PubMed 31825140 (cited by All of Us Research Program, National Institutes of Health); PubMed 31853058 (cited by All of Us Research Program, National Institutes of Health); PubMed 32776218 (cited by All of Us Research Program, National Institutes of Health); PubMed 34657357 (cited by All of Us Research Program, National Institutes of Health); PubMed 24065114 (cited by Women's Health and Genetics/Laboratory Corporation of America, LabCorp).